The following is an entry in ClinVar:

ClinVar aggregate classification (germline): Conflicting classifications of pathogenicity. Review status: criteria provided, conflicting classifications (1 of 4 stars). 3 submissions from 3 submitters: Uncertain significance (1); Likely benign (1). 1 of the submissions does not count toward it. Last evaluated 2026-01-26.

Conditions:
FLNB-related disorder. Also called: FLNB-related disorders; FLNB-related condition. Identifiers: MedGen CN381095.
FLNB-Related Spectrum Disorders.

Allele frequency attached by ClinVar (database versions not stated): ExAC 0.00006; gnomAD exomes 0.00026 and 0.00009; TOPMed 0.00014; gnomAD 0.00017 and 0.00018; ESP Exome Variant Server 0.00038.
gnomAD v4.1: 391 of 1,614,062 alleles (0.024%); highest among the groups gnomAD compares: Non-Finnish European, 0.032%; no homozygotes.

Submissions (3):

Labcorp Genetics (formerly Invitae), Labcorp
Classification: Likely benign. Last evaluated: 2026-01-26. Review status: criteria provided, single submitter. Criteria: Invitae Variant Classification Sherloc (09022015). Collection method: clinical testing. Allele origin: germline.

Illumina Laboratory Services, Illumina
Classification: Uncertain significance for FLNB-Related Spectrum Disorders. Last evaluated: 2018-01-12. Review status: criteria provided, single submitter. Criteria: ICSL Variant Classification Criteria 13 December 2019. Collection method: clinical testing. Allele origin: germline.

PreventionGenetics, part of Exact Sciences
Classification: Uncertain significance for FLNB-related condition. Last evaluated: 2024-08-24. Review status: no assertion criteria provided. Collection method: clinical testing. Allele origin: germline. Not counted in ClinVar's aggregate classification.
Comment: The FLNB c.2059G>A variant is predicted to result in the amino acid substitution p.Gly687Arg. To our knowledge, this variant has not been reported in the literature. This variant is predicted to alter splicing based on available splicing prediction software (SpliceAI, Jaganathan et al. 2019. PubMed ID: 30661751). However, the use of computer prediction software is not equivalent to functional evidence. This variant is reported in 0.015% of alleles in individuals of European (Non-Finnish) descent in gnomAD v2 (as displayed in the table above). However, in gnomAD v4 (available only on GRCh38), this variant is reported in 0.032% of alleles in a subpopulation and in 391 alleles globally. This population data is not consistent with this variant being a primary cause of disease. Although we suspect that this variant may be benign, the clinical significance of this variant is classified as uncertain at this time due to insufficient functional and genetic evidence.

NM_001457.4(FLNB):c.2059G>A (p.Gly687Arg)

Gene: FLNB (filamin B; plus strand). Cytogenetic location: 3p14.3.
Variant type: single nucleotide variant.
Coding change: c.2059G>A on transcript NM_001457.4 (MANE Select); coding-DNA position 2059, G replaced by A.
Protein change: p.Gly687Arg; replaces glycine 687 with arginine.
Molecular consequence: missense variant.
Genome position (GRCh38, 1-based): chr3:58,109,182, G>A. VCF-style: chr3-58109182-G-A. GRCh37 (hg19) VCF-style: chr3-58094909-G-A.
Other names: c.2059G>A, p.Gly687Arg (NM_001164317.2, NM_001164318.2, NM_001164319.2); short protein forms G687R.
Identifiers: ClinVar variation 902192 (VCV000902192.10), dbSNP rs148679414, ClinGen allele CA2468018.